The following is an entry in ClinVar:

ClinVar aggregate classification (germline): Pathogenic. Review status: criteria provided, single submitter (1 of 4 stars). 2 submissions from 2 submitters: Pathogenic (1). 1 of the submissions does not count toward it. Last evaluated 2021-12-13.

Conditions:
Radio-Tartaglia syndrome. Identifiers: Orphanet 662234, MedGen C5543339, MONDO:0859143, OMIM 619312.

Submissions (2):

Institute of Human Genetics, University of Leipzig Medical Center
Classification: Pathogenic for Radio-Tartaglia syndrome. Last evaluated: 2021-12-13. Review status: criteria provided, single submitter. Criteria: ACMG Guidelines, 2015. Collection method: clinical testing. Allele origin: de novo. Affected: yes.
Comment: This variant was identified as de novo (maternity and paternity confirmed)._x000D_ Criteria applied: PVS1, PS2, PM2_SUP

Department of Rehabilitation Medicine, Incheon St. Mary’s Hospital, College of Medicine, The Catholic University of Korea
Classification: Pathogenic for Radio-Tartaglia syndrome. Review status: no assertion criteria provided. Collection method: clinical testing. Allele origin: de novo. Affected: yes. Not counted in ClinVar's aggregate classification.

NM_015001.3(SPEN):c.2104C>T (p.Arg702Ter)

Gene: SPEN (spen family transcriptional repressor; plus strand). Cytogenetic location: 1p36.13.
Variant type: single nucleotide variant.
Coding change: c.2104C>T on transcript NM_015001.3 (MANE Select); coding-DNA position 2104, C replaced by T.
Protein change: p.Arg702Ter; replaces arginine 702 with a stop codon.
Molecular consequence: nonsense.
Genome position (GRCh38, 1-based): chr1:15,928,344, C>T. VCF-style: chr1-15928344-C-T. GRCh37 (hg19) VCF-style: chr1-16254839-C-T.
Other names: short protein forms R702*.
Identifiers: ClinVar variation 1329951 (VCV001329951.2), dbSNP rs2071187754, ClinGen allele CA338597997.